The following is an entry in ClinVar:

ClinVar aggregate classification (germline): Likely benign. Review status: criteria provided, multiple submitters, no conflicts (2 of 4 stars). 3 submissions from 3 submitters: Likely benign (3). Last evaluated 2024-12-12.

Conditions:
Rubinstein-Taybi syndrome due to EP300 haploinsufficiency. Also called: RUBINSTEIN-TAYBI SYNDROME 2; EP300-Related Rubinstein-Taybi Syndrome. Identifiers: Orphanet 353284, Orphanet 783, MedGen C3150941, MONDO:0013364, OMIM 613684.
EP300-related disorder. Also called: EP300-related disorders; EP300-related condition.
Inborn genetic diseases. Identifiers: MedGen C0950123, MeSH D030342.

Allele frequency attached by ClinVar (database versions not stated): gnomAD 0.00001; gnomAD exomes 0.00004 and 0.00008; ExAC 0.00008.

Submissions (3):

Ambry Genetics
Classification: Likely benign for Inborn genetic diseases. Last evaluated: 2024-12-12. Review status: criteria provided, single submitter. Criteria: Ambry Variant Classification Scheme 2023. Collection method: clinical testing. Allele origin: germline.

PreventionGenetics, part of Exact Sciences
Classification: Likely benign for EP300-related condition. Last evaluated: 2024-11-11. Review status: criteria provided, single submitter. Criteria: ACMG Guidelines, 2015. Collection method: clinical testing. Allele origin: germline.
Comment: This variant is classified as likely benign based on ACMG/AMP sequence variant interpretation guidelines (Richards et al. 2015 PMID: 25741868, with internal and published modifications).

Labcorp Genetics (formerly Invitae), Labcorp
Classification: Likely benign for Rubinstein-Taybi syndrome due to EP300 haploinsufficiency. Last evaluated: 2024-10-23. Review status: criteria provided, single submitter. Criteria: Invitae Variant Classification Sherloc (09022015). Collection method: clinical testing. Allele origin: germline.

NM_001429.4(EP300):c.5967G>A (p.Met1989Ile)

Gene: EP300 (EP300 lysine acetyltransferase; plus strand). Cytogenetic location: 22q13.2.
Variant type: single nucleotide variant.
Coding change: c.5967G>A on transcript NM_001429.4 (MANE Select); coding-DNA position 5967, G replaced by A.
Protein change: p.Met1989Ile; replaces methionine 1989 with isoleucine.
Molecular consequence: missense variant.
Genome position (GRCh38, 1-based): chr22:41,177,678, G>A. VCF-style: chr22-41177678-G-A. GRCh37 (hg19) VCF-style: chr22-41573682-G-A.
Other names: c.5967G>A (NM_001429.3); c.5889G>A, p.Met1963Ile (NM_001362843.2); short protein forms M1963I, M1989I.
Identifiers: ClinVar variation 1534102 (VCV001534102.11), dbSNP rs763795718, ClinGen allele CA10253747.
Genomic context (GRCh38, chr22:41,177,678, plus strand): 5'-ACCTCCCATGACCAGAGGTCCCAGTGGGCATTTGGAGCCAGGGATGGGACCGACAGGGAT[G>A]CAGCAACAGCCACCCTGGAGCCAAGGAGGATTGCCTCAGCCCCAGCAACTACAGTCTGGG-3'
Protein context (NP_001420.2, residues 1979-1999): HLEPGMGPTG[Met1989Ile]QQQPPWSQGG